The following is an entry in ClinVar:

ClinVar aggregate classification (germline): Uncertain significance (1 of 4 stars; one submission).

Submission:

Labcorp Genetics (formerly Invitae), Labcorp
Classification: Uncertain significance. Last evaluated: 2023-05-23. Review status: criteria provided, single submitter. Criteria: Invitae Variant Classification Sherloc (09022015). Collection method: clinical testing. Allele origin: germline.
Comment: This sequence change creates a premature translational stop signal (p.Asn802Ilefs*17) in the CTNNA1 gene. While this is not anticipated to result in nonsense mediated decay, it is expected to disrupt the last 105 amino acid(s) of the CTNNA1 protein. This variant is not present in population databases (gnomAD no frequency). This variant has not been reported in the literature in individuals affected with CTNNA1-related conditions. In summary, the available evidence is currently insufficient to determine the role of this variant in disease. Therefore, it has been classified as a Variant of Uncertain Significance. Experimental studies and prediction algorithms are not available or were not evaluated, and the functional significance of this variant is currently unknown.

NM_001903.5(CTNNA1):c.2405del (p.Asn802fs)

Gene: CTNNA1 (catenin alpha 1; plus strand). Cytogenetic location: 5q31.2.
Variant type: Deletion.
Coding change: c.2405del on transcript NM_001903.5 (MANE Select); coding-DNA position 2405, one base deleted (A; older notation c.2405delA).
Protein change: p.Asn802fs; shifts the reading frame from asparagine 802.
Molecular consequence: frameshift variant. On other transcripts: intron variant (1).
Genome position (GRCh38, 1-based): chr5:138,932,684, A deleted; the last of 2 consecutive A bases (chr5:138,932,683-138,932,684); deleting either gives the same sequence. VCF-style (leftmost placement, unchanged base first): chr5-138932682-GA-G. GRCh37 (hg19) VCF-style: chr5-138268371-GA-G.
Other names: c.2405del, p.Asn802fs (NM_001290307.3, NM_001323982.2, NM_001323983.1 and 2 more transcripts); c.2096del, p.Asn699fs (NM_001290309.3); c.2036del, p.Asn679fs (NM_001290310.3); c.1295del, p.Asn432fs (NM_001290312.1, NM_001323987.1, NM_001323988.1 and 16 more transcripts); c.2312del, p.Asn771fs (NM_001323986.2); c.956del, p.Asn319fs (NM_001324006.1, NM_001324007.1, NM_001324008.1 and 2 more transcripts); c.1202del, p.Asn401fs (NM_001324011.1); c.1052del, p.Asn351fs (NM_001324012.1, NM_001324013.1); and 1 more; short protein forms N319fs, N351fs, N401fs, N699fs, N771fs, N802fs, N432fs, N679fs.
Identifiers: ClinVar variation 2743910 (VCV002743910.3), dbSNP rs2533914554, ClinGen allele CA2697546513.